The following is an entry in ClinVar:

NM_001081.4(CUBN):c.4459C>A (p.Arg1487=)

Gene: CUBN (cubilin; minus strand). Cytogenetic location: 10p13.
Variant type: single nucleotide variant.
Coding change: c.4459C>A on transcript NM_001081.4 (MANE Select); coding-DNA position 4459, C replaced by A.
Protein change: p.Arg1487=; no amino-acid change (arginine 1487 retained).
Molecular consequence: synonymous variant.
Genome position (GRCh38, 1-based): chr10:16,984,171, G>T on the plus strand (C>A on the coding strand, the complement: CUBN is on the minus strand). VCF-style: chr10-16984171-G-T. GRCh37 (hg19) VCF-style: chr10-17026170-G-T.
Identifiers: ClinVar variation 3044047 (VCV003044047.2), dbSNP rs145661597, ClinGen allele CA468300403.
Genomic context (GRCh38, chr10:16,984,171, plus strand): 5'-TGACTGCTTGCCATGACGCATTGAAGCCTCTCCCATTTATGGACAAGTCGGTCTTGAATC[G>T]AATTGCTAGCTCATTTCCAGTGCTGGAGACCTGCATGGGGTTCTCAGGTGATCTCTGGGT-3'
Protein context (NP_001072.2, residues 1477-1497): VSSTGNELAI[Arg1487=]FKTDLSINGR

ClinVar aggregate classification (germline): Likely benign (0 of 4 stars; one submission).

Conditions:
CUBN-related disorder. Also called: CUBN-related condition.

gnomAD v4.1: 65 of 1,614,008 alleles (0.004%); highest among the groups gnomAD compares: Non-Finnish European, 0.0054%; no homozygotes.

Submission:

PreventionGenetics, part of Exact Sciences
Classification: Likely benign for CUBN-related condition. Last evaluated: 2019-06-06. Review status: no assertion criteria provided. Collection method: clinical testing. Allele origin: germline.
Comment: This variant is classified as likely benign based on ACMG/AMP sequence variant interpretation guidelines (Richards et al. 2015 PMID: 25741868, with internal and published modifications).